The following is an entry in ClinVar:

ClinVar aggregate classification (germline): Benign (1 of 4 stars; one submission).

Conditions:
Autosomal dominant cerebellar ataxia. Also called: Spinocerebellar Ataxia, Dominant. Identifiers: Orphanet 99, MedGen C4087347, MONDO:0020380.

Allele frequency attached by ClinVar (database versions not stated): TOPMed 0.00001; 1000 Genomes Project 30x 0.00047; gnomAD exomes 0.00047; 1000 Genomes Project 0.00060.
gnomAD v4.1: 6 of 154,502 alleles (0.0039%); highest among the groups gnomAD compares: South Asian, 0.088%; no homozygotes.

Submission:

Illumina Laboratory Services, Illumina
Classification: Benign for Spinocerebellar Ataxia, Dominant. Last evaluated: 2018-01-13. Review status: criteria provided, single submitter. Criteria: ICSL Variant Classification Criteria 13 December 2019. Collection method: clinical testing. Allele origin: germline.
Comment: This variant was observed in the ICSL laboratory as part of a predisposition screen in an ostensibly healthy population. It had not been previously curated by ICSL or reported in the Human Gene Mutation Database (HGMD: prior to June 1st, 2018), and was therefore a candidate for classification through an automated scoring system. Utilizing variant allele frequency, disease prevalence and penetrance estimates, and inheritance mode, an automated score was calculated to assess if this variant is too frequent to cause the disease. Based on the score and internal cut-off values, a variant classified as benign is not then subjected to further curation. The score for this variant resulted in a classification of benign for this disease.

NM_001378452.1(ITPR1):c.-315C>T

Gene: ITPR1 (inositol 1,4,5-trisphosphate receptor type 1; plus strand). Cytogenetic location: 3p26.1.
Variant type: single nucleotide variant.
Coding change: c.-315C>T on transcript NM_001378452.1 (MANE Select); 315 bases upstream of the start codon, C replaced by T.
Molecular consequence: 5 prime UTR variant.
Genome position (GRCh38, 1-based): chr3:4,493,383, C>T. VCF-style: chr3-4493383-C-T. GRCh37 (hg19) VCF-style: chr3-4535067-C-T.
Other names: c.-315C>T (NM_001099952.4, NM_001168272.2, NM_002222.7).
Identifiers: ClinVar variation 902257 (VCV000902257.4), dbSNP rs572878578, ClinGen allele CA69314855.